The following is an entry in ClinVar:

ClinVar aggregate classification (germline): Uncertain significance. Review status: criteria provided, multiple submitters, no conflicts (2 of 4 stars). 2 submissions from 2 submitters: Uncertain significance (2). Last evaluated 2025-10-28.

Conditions:
Familial hypobetalipoproteinemia 1. Also called: APOB-Related Familial Hypobetalipoproteinemia; Hypobetalipoproteinemia, normotriglyceridemic; Acanthocytosis with hypobetalipoproteinemia. Identifiers: MedGen C4551990, MONDO:0014252, OMIM 615558.
Hypercholesterolemia, autosomal dominant, type B (FHCL2). Also called: Familial Hypercholesterolemia Type B; APOLIPOPROTEIN B-100, FAMILIAL DEFECTIVE; APOLIPOPROTEIN B-100, FAMILIAL LIGAND-DEFECTIVE; HYPERCHOLESTEROLEMIA, FAMILIAL, DUE TO LIGAND-DEFECTIVE APOLIPOPROTEIN B; Hyperlipoproteinemia Type IIb; Familial hypercholesterolemia 2. Identifiers: MedGen C1704417, MONDO:0007751, OMIM 144010.

gnomAD v4.1: 2 of 1,608,724 alleles (0.00012%); highest among the groups gnomAD compares: Non-Finnish European, 0.000085%; no homozygotes.

Submissions (2):

Quest Diagnostics Nichols Institute San Juan Capistrano
Classification: Uncertain significance. Last evaluated: 2025-10-28. Review status: criteria provided, single submitter. Criteria: Quest Diagnostics criteria. Collection method: clinical testing. Allele origin: unknown.
Comment: The APOB c.11791T>G (p.Leu3931Val) variant has not been reported in individuals with APOB-related conditions in the published literature. This variant has not been reported in large, multi-ethnic general populations (Genome Aggregation Database). Analysis of this variant using bioinformatics tools for the prediction of the effect of amino acid changes on protein structure and function yielded predictions that this variant is benign. Based on the available information, we are unable to determine the clinical significance of this variant.

Labcorp Genetics (formerly Invitae), Labcorp
Classification: Uncertain significance for Familial hypobetalipoproteinemia 1; Hypercholesterolemia, autosomal dominant, type B. Last evaluated: 2024-10-12. Review status: criteria provided, single submitter. Criteria: Invitae Variant Classification Sherloc (09022015). Collection method: clinical testing. Allele origin: germline.
Comment: This sequence change replaces leucine, which is neutral and non-polar, with valine, which is neutral and non-polar, at codon 3931 of the APOB protein (p.Leu3931Val). This variant is not present in population databases (gnomAD no frequency). This variant has not been reported in the literature in individuals affected with APOB-related conditions. An algorithm developed to predict the effect of missense changes on protein structure and function outputs the following: PolyPhen-2: "Benign". The valine amino acid residue is found in multiple mammalian species, which suggests that this missense change does not adversely affect protein function. In summary, the available evidence is currently insufficient to determine the role of this variant in disease. Therefore, it has been classified as a Variant of Uncertain Significance.

NM_000384.3(APOB):c.11791T>G (p.Leu3931Val)

Gene: APOB (apolipoprotein B; minus strand). Cytogenetic location: 2p24.1.
Variant type: single nucleotide variant.
Coding change: c.11791T>G on transcript NM_000384.3 (MANE Select); coding-DNA position 11791, T replaced by G.
Protein change: p.Leu3931Val; replaces leucine 3931 with valine.
Molecular consequence: missense variant.
Genome position (GRCh38, 1-based): chr2:21,004,673, A>C on the plus strand (T>G on the coding strand, the complement: APOB is on the minus strand). VCF-style: chr2-21004673-A-C. GRCh37 (hg19) VCF-style: chr2-21227545-A-C.
Other names: c.11791T>G (NM_000384.2); short protein forms L3931V.
Identifiers: ClinVar variation 3758916 (VCV003758916.3).